The following is an entry in ClinVar:

NM_002541.4(OGDH):c.936-17T>G

Gene: OGDH (oxoglutarate dehydrogenase; plus strand). Cytogenetic location: 7p13.
Variant type: single nucleotide variant.
Coding change: c.936-17T>G on transcript NM_002541.4 (MANE Select); 17 bases into the intron before coding-DNA position 936, T replaced by G.
Molecular consequence: intron variant.
Genome position (GRCh38, 1-based): chr7:44,675,161, T>G. VCF-style: chr7-44675161-T-G. GRCh37 (hg19) VCF-style: chr7-44714760-T-G.
Other names: c.969-17T>G (NM_001363523.2); c.924-17T>G (NM_001165036.2); c.936-17T>G (NM_001003941.3).
Identifiers: ClinVar variation 2918616 (VCV002918616.3), dbSNP rs1209967357, ClinGen allele CA573816961.
Genomic context (GRCh38, chr7:44,675,161, plus strand): 5'-GGATTGTAACACCCTCATCTGCCATCTGGAAACCATGACCTCAGGCTCTGCTCACCCTAC[T>G]CGCCCATACGTTCCAGAGGGCGGCTGAACGTGCTTGCAAATGTCATCAGGAAGGAGCTGG-3'

ClinVar aggregate classification (germline): Uncertain significance (1 of 4 stars; one submission).

Conditions:
Oxoglutaricaciduria. Identifiers: Orphanet 31, MedGen C2752074, MONDO:0008759, OMIM 203740.

Allele frequency attached by ClinVar (database versions not stated): gnomAD 0.00001.
gnomAD v4.1: 1 of 1,608,314 alleles (0.000062%); highest among the groups gnomAD compares: Non-Finnish European, 0.000085%; no homozygotes.

Submission:

Labcorp Genetics (formerly Invitae), Labcorp
Classification: Uncertain significance for Oxoglutaricaciduria. Last evaluated: 2023-06-22. Review status: criteria provided, single submitter. Criteria: Invitae Variant Classification Sherloc (09022015). Collection method: clinical testing. Allele origin: germline.
Comment: This sequence change falls in intron 7 of the OGDH gene. It does not directly change the encoded amino acid sequence of the OGDH protein. This variant is present in population databases (no rsID available, gnomAD 0.007%). This variant has not been reported in the literature in individuals affected with OGDH-related conditions. Algorithms developed to predict the effect of sequence changes on RNA splicing suggest that this variant may create or strengthen a splice site. In summary, the available evidence is currently insufficient to determine the role of this variant in disease. Therefore, it has been classified as a Variant of Uncertain Significance.